The following is an entry in ClinVar:

ClinVar aggregate classification (germline): Benign/Likely benign. Review status: criteria provided, multiple submitters, no conflicts (2 of 4 stars). 16 submissions from 16 submitters: Benign (4); Likely benign (11). 1 of the submissions does not count toward it. Last evaluated 2025-12-17.

Conditions:
MSH6-related disorder. Also called: MSH6-related condition; MSH6-Related disorders.
Hereditary nonpolyposis colorectal neoplasms. Identifiers: MedGen C0009405, MeSH D003123.
Hereditary cancer-predisposing syndrome. Also called: Tumor predisposition; Neoplastic Syndromes, Hereditary; Hereditary Cancer Syndrome; Hereditary neoplastic syndrome. Identifiers: Orphanet 140162, MedGen C0027672, MeSH D009386, MONDO:0015356.
Lynch syndrome. Identifiers: Orphanet 144, MedGen C4552100, MONDO:0005835. Disease mechanism: loss of function.
Lynch syndrome 5 (LYNCH5). Also called: Hereditary non-polyposis colorectal cancer, type 5; Colorectal cancer, hereditary nonpolyposis, type 5. Identifiers: Orphanet 144, MedGen C1833477, MONDO:0013710, OMIM 614350. Disease mechanism: loss of function.

Allele frequency attached by ClinVar (database versions not stated): TOPMed 0.00002; ExAC 0.00011; gnomAD 0.00001 and 0.00002; 1000 Genomes Project 30x 0.00016; 1000 Genomes Project 0.00020.
gnomAD v4.1: 99 of 1,614,066 alleles (0.0061%); highest among the groups gnomAD compares: South Asian, 0.03%; no homozygotes.

Submissions (16):

Labcorp Genetics (formerly Invitae), Labcorp
Classification: Likely benign for Hereditary nonpolyposis colorectal neoplasms. Last evaluated: 2025-12-17. Review status: criteria provided, single submitter. Criteria: Invitae Variant Classification Sherloc (09022015). Collection method: clinical testing. Allele origin: germline.

Women's Health and Genetics/Laboratory Corporation of America, LabCorp
Classification: Likely benign. Last evaluated: 2025-07-02. Review status: criteria provided, single submitter. Criteria: LabCorp Variant Classification Summary - May 2015. Collection method: clinical testing. Allele origin: germline.

KCCC/NGS Laboratory, Kuwait Cancer Control Center
Classification: Benign for Lynch syndrome 5. Last evaluated: 2025-02-01. Review status: criteria provided, single submitter. Criteria: ACMG Guidelines, 2015. Collection method: clinical testing. Allele origin: germline. Affected: no.

Myriad Genetics, Inc.
Classification: Benign for Lynch syndrome 5. Last evaluated: 2025-01-06. Review status: criteria provided, single submitter. Criteria: Myriad Autosomal Dominant, Autosomal Recessive and X-Linked Classification Criteria (2023). Collection method: clinical testing. Allele origin: unknown.
Comment: This variant is considered benign. This variant is a silent/synonymous amino acid change and it is not expected to impact splicing.

Blueprint Genetics
Classification: Likely benign. Last evaluated: 2024-09-25. Review status: criteria provided, single submitter. Criteria: ACMG Guidelines, 2015. Collection method: clinical testing. Allele origin: germline.

All of Us Research Program, National Institutes of Health
Classification: Likely benign for Lynch syndrome. Last evaluated: 2023-12-01. Review status: criteria provided, single submitter. Criteria: ACMG Guidelines, 2015. Collection method: clinical testing. Allele origin: germline. Inheritance: Autosomal dominant inheritance. Observed: 8 variant alleles, 8 heterozygotes.
Comment: This study involves interpretation of variants in research participants for the purpose of population health screening. Participant phenotype was not available at the time of variant classification. Additional details can be found in publication PMID: 35346344, PMCID: PMC8962531

Department of Pathology and Laboratory Medicine, Sinai Health System
Classification: Likely benign for Lynch syndrome. Last evaluated: 2023-06-21. Review status: criteria provided, single submitter. Criteria: ACMG Guidelines, 2015. Collection method: clinical testing. Allele origin: germline. Affected: yes.

Sema4
Classification: Likely benign for Hereditary cancer-predisposing syndrome. Last evaluated: 2021-01-01. Review status: criteria provided, single submitter. Criteria: Sema4 Curation Guidelines. Collection method: curation. Allele origin: germline.

Mendelics
Classification: Likely benign for Lynch syndrome 5. Last evaluated: 2019-05-28. Review status: criteria provided, single submitter. Criteria: Mendelics Assertion Criteria 2017. Collection method: clinical testing. Allele origin: unknown.

Quest Diagnostics Nichols Institute San Juan Capistrano
Classification: Benign. Last evaluated: 2018-08-23. Review status: criteria provided, single submitter. Criteria: Quest Diagnostics criteria. Collection method: clinical testing. Allele origin: germline.

CeGaT Center for Human Genetics Tuebingen
Classification: Likely benign. Last evaluated: 2018-08-01. Review status: criteria provided, single submitter. Criteria: CeGaT Center For Human Genetics Tuebingen Variant Classification Criteria Version 2. Collection method: clinical testing. Allele origin: germline. Affected: yes. Observed: 1 variant allele.

University of Washington Department of Laboratory Medicine, University of Washington
Classification: Likely benign for Lynch syndrome. Last evaluated: 2018-05-01. Review status: criteria provided, single submitter. Criteria: Shirts BH et al. (Am J Hum Genet 2018). Collection method: clinical testing. Allele origin: somatic. Affected: yes.
Comment: MSH6 NM_000179.2:c.3300G>A has a 1.6% probability of pathogenicity based on combining prior probability from public data with likelihood ratios of 1.56 and 0.20 to 1, generated from evidence of seeing this as a somatic mutation in two independent tumors without loss of heterozygosity at the MSH6 locus. See Shirts et al 2018, PMID 29887214.

Color Diagnostics, LLC DBA Color Health
Classification: Likely benign for Hereditary cancer-predisposing syndrome. Last evaluated: 2016-05-22. Review status: criteria provided, single submitter. Criteria: ACMG Guidelines, 2015. Collection method: clinical testing. Allele origin: germline.

GeneDx
Classification: Benign. Last evaluated: 2015-08-04. Review status: criteria provided, single submitter. Criteria: GeneDx Variant Classification (06012015). Collection method: clinical testing. Allele origin: germline. Affected: yes.
Comment: This variant is considered likely benign or benign based on one or more of the following criteria: it is a conservative change, it occurs at a poorly conserved position in the protein, it is predicted to be benign by multiple in silico algorithms, and/or has population frequency not consistent with disease.

Ambry Genetics
Classification: Likely benign for Hereditary cancer-predisposing syndrome. Last evaluated: 2014-07-11. Review status: criteria provided, single submitter. Criteria: Ambry Variant Classification Scheme 2023. Collection method: clinical testing. Allele origin: germline.

PreventionGenetics, part of Exact Sciences
Classification: Likely benign for MSH6-related condition. Last evaluated: 2021-02-05. Review status: no assertion criteria provided. Collection method: clinical testing. Allele origin: germline. Not counted in ClinVar's aggregate classification.
Comment: This variant is classified as likely benign based on ACMG/AMP sequence variant interpretation guidelines (Richards et al. 2015 PMID: 25741868, with internal and published modifications).

Literature cited by the submitters: PubMed 29887214 (cited by Department of Pathology and Laboratory Medicine, Sinai Health System and Quest Diagnostics Nichols Institute San Juan Capistrano).

NM_000179.3(MSH6):c.3300G>A (p.Thr1100=)

Gene: MSH6 (mutS homolog 6; plus strand). Cytogenetic location: 2p16.3.
Variant type: single nucleotide variant.
Coding change: c.3300G>A on transcript NM_000179.3 (MANE Select); coding-DNA position 3300, G replaced by A.
Protein change: p.Thr1100=; no amino-acid change (threonine 1100 retained).
Molecular consequence: synonymous variant.
Genome position (GRCh38, 1-based): chr2:47,803,547, G>A. VCF-style: chr2-47803547-G-A. GRCh37 (hg19) VCF-style: chr2-48030686-G-A.
Other names: c.2910G>A, p.Thr970= (NM_001281492.2); c.2394G>A, p.Thr798= (NM_001281493.2, NM_001281494.2).
Identifiers: ClinVar variation 185358 (VCV000185358.71), dbSNP rs540252208, ClinGen allele CA012480.